The following is an entry in ClinVar:

NM_006231.4(POLE):c.204+4A>C

Gene: POLE (DNA polymerase epsilon, catalytic subunit; minus strand). Cytogenetic location: 12q24.33.
Variant type: single nucleotide variant.
Coding change: c.204+4A>C on transcript NM_006231.4 (MANE Select); 4 bases into the intron after coding-DNA position 204, A replaced by C.
Molecular consequence: intron variant.
Genome position (GRCh38, 1-based): chr12:132,681,134, T>G on the plus strand (A>C on the coding strand, the complement: POLE is on the minus strand). VCF-style: chr12-132681134-T-G. GRCh37 (hg19) VCF-style: chr12-133257720-T-G.
Identifiers: ClinVar variation 2830396 (VCV002830396.3), dbSNP rs2136033408, ClinGen allele CA2739277408.

ClinVar aggregate classification (germline): Uncertain significance (1 of 4 stars; one submission).

Submission:

Labcorp Genetics (formerly Invitae), Labcorp
Classification: Uncertain significance. Last evaluated: 2023-01-20. Review status: criteria provided, single submitter. Criteria: Invitae Variant Classification Sherloc (09022015). Collection method: clinical testing. Allele origin: germline.
Comment: This sequence change falls in intron 2 of the POLE gene. It does not directly change the encoded amino acid sequence of the POLE protein. It affects a nucleotide within the consensus splice site. This variant is not present in population databases (gnomAD no frequency). This variant has not been reported in the literature in individuals affected with POLE-related conditions. Variants that disrupt the consensus splice site are a relatively common cause of aberrant splicing (PMID: 17576681, 9536098). Studies have shown that this variant is associated with altered splicing resulting in unknown protein product impact (Invitae). In summary, the available evidence is currently insufficient to determine the role of this variant in disease. Therefore, it has been classified as a Variant of Uncertain Significance.

Literature cited by the submitters: PubMed 17576681; PubMed 9536098.